The following is an entry in ClinVar:

ClinVar aggregate classification (germline): Pathogenic (1 of 4 stars; one submission).

Conditions:
Primary ciliary dyskinesia. Also called: Ciliary dyskinesia. Identifiers: Orphanet 244, MedGen C0008780, MONDO:0016575, HP:0012265.

Allele frequency attached by ClinVar (database versions not stated): gnomAD exomes below 0.00001.

Submission:

Labcorp Genetics (formerly Invitae), Labcorp
Classification: Pathogenic for Primary ciliary dyskinesia. Last evaluated: 2024-01-08. Review status: criteria provided, single submitter. Criteria: Invitae Variant Classification Sherloc (09022015). Collection method: clinical testing. Allele origin: germline.
Comment: This sequence change creates a premature translational stop signal (p.Gln3615Hisfs*11) in the DNAH11 gene. It is expected to result in an absent or disrupted protein product. Loss-of-function variants in DNAH11 are known to be pathogenic (PMID: 18022865, 20513915, 22184204). This variant is not present in population databases (gnomAD no frequency). This variant has not been reported in the literature in individuals affected with DNAH11-related conditions. For these reasons, this variant has been classified as Pathogenic.

Literature cited by the submitters: PubMed 18022865; PubMed 20513915; PubMed 22184204.

NM_001277115.2(DNAH11):c.10841_10844dup (p.Gln3615fs)

Gene: DNAH11 (dynein axonemal heavy chain 11; plus strand). Cytogenetic location: 7p15.3.
Variant type: Duplication.
Coding change: c.10841_10844dup on transcript NM_001277115.2 (MANE Select); coding-DNA positions 10841 to 10844, 4 bases duplicated (CCCA; older notation c.10841_10844dupCCCA).
Protein change: p.Gln3615fs; shifts the reading frame from glutamine 3615.
Molecular consequence: frameshift variant.
Genome position (GRCh38, 1-based): chr7:21,842,693-21,842,696, CCCA duplicated. VCF-style (leftmost placement, unchanged base first): chr7-21842692-G-GCCCA. GRCh37 (hg19) VCF-style: chr7-21882310-G-GCCCA.
Other names: c.10862_10865dup, p.Gln3622Hisfs (NM_003777.3); short protein forms Q3615fs.
Identifiers: ClinVar variation 2838649 (VCV002838649.3), dbSNP rs2535434198, ClinGen allele CA2681990026.